The following is an entry in ClinVar:

NC_000023.10:g.(?_32841412)_(32841504_?)dup

Gene: DMD (dystrophin; minus strand). Cytogenetic location: Xp21.1.
Variant type: Duplication.
Identifiers: ClinVar variation 417502 (VCV000417502.3).

ClinVar aggregate classification (germline): Likely pathogenic (1 of 4 stars; one submission).

Conditions:
Duchenne muscular dystrophy (DMD). Also called: MUSCULAR DYSTROPHY, PSEUDOHYPERTROPHIC PROGRESSIVE, DUCHENNE TYPE; Duchenne Muscular Dystrophy (DMD). Identifiers: Orphanet 98896, MedGen C0013264, MONDO:0010679, OMIM 310200.

Submission:

Labcorp Genetics (formerly Invitae), Labcorp
Classification: Likely pathogenic for Duchenne muscular dystrophy. Last evaluated: 2019-12-28. Review status: criteria provided, single submitter. Criteria: Invitae Variant Classification Sherloc (09022015). Collection method: clinical testing. Allele origin: germline.
Comment: This variant results in a copy number gain of the genomic region encompassing exon 5 of the DMD gene. While the exact position of this variant cannot be determined from this data, sub-genic copy number gains are generally in tandem (PMID: 25640679). This variant would be expected to be in-frame, preserving the integrity of the reading frame. A similar copy number gain of exon 5 has been reported in individuals affected with Duchenne or Becker muscular dystrophy (PMID: 16917894, 17259292, 16770791). In summary, the currently available evidence indicates that the variant is pathogenic, but additional data are needed to prove that conclusively. Therefore, this variant has been classified as Likely Pathogenic.

Literature cited by the submitters: PubMed 25640679; PubMed 16917894; PubMed 17259292; PubMed 16770791.